The following is an entry in ClinVar:

ClinVar aggregate classification (germline): Pathogenic (1 of 4 stars; one submission).

Conditions:
Lowe syndrome (OCRL). Also called: Oculocerebrorenal Syndrome; LOWE OCULOCEREBRORENAL SYNDROME; PHOSPHATIDYLINOSITOL 4,5-BISPHOSPHATE 5-PHOSPHATASE DEFICIENCY. Identifiers: Orphanet 534, MedGen C0028860, MONDO:0010645, OMIM 309000.

Submission:

Labcorp Genetics (formerly Invitae), Labcorp
Classification: Pathogenic for Lowe syndrome. Last evaluated: 2021-04-05. Review status: criteria provided, single submitter. Criteria: Invitae Variant Classification Sherloc (09022015). Collection method: clinical testing. Allele origin: germline.
Comment: For these reasons, this variant has been classified as Pathogenic. Algorithms developed to predict the effect of sequence changes on RNA splicing suggest that this variant may disrupt the consensus splice site, but this prediction has not been confirmed by published transcriptional studies. Disruption of this splice site has been observed in individual(s) with Lowe syndrome (PMID: 10923037). This variant is not present in population databases (ExAC no frequency). This sequence change affects a donor splice site in intron 15 of the OCRL gene. It is expected to disrupt RNA splicing. Variants that disrupt the donor or acceptor splice site typically lead to a loss of protein function (PMID: 16199547), and loss-of-function variants in OCRL are known to be pathogenic (PMID: 21031565, 22381590).

Literature cited by the submitters: PubMed 10923037; PubMed 16199547; PubMed 21031565; PubMed 22381590.

NM_000276.4(OCRL):c.1602+1G>T

Gene: OCRL (OCRL inositol polyphosphate-5-phosphatase; plus strand). Cytogenetic location: Xq26.1.
Variant type: single nucleotide variant.
Coding change: c.1602+1G>T on transcript NM_000276.4 (MANE Select); the canonical splice donor site of the intron after coding-DNA position 1602, G replaced by T.
Molecular consequence: splice donor variant.
Genome position (GRCh38, 1-based): chrX:129,569,400, G>T. VCF-style: chrX-129569400-G-T. GRCh37 (hg19) VCF-style: chrX-128703377-G-T.
Other names: c.1605+1G>T (NM_001318784.2); c.1602+1G>T (NM_001587.4).
Identifiers: ClinVar variation 1454269 (VCV001454269.8), dbSNP rs2124412937, ClinGen allele CA414616598.
Genomic context (GRCh38, chrX:129,569,400, plus strand): 5'-AGTCACATGGAACTGAAAACCAGCGACCACAAGCCTGTTAGCGCCCTCTTCCATATTGGG[G>T]TAAACACTTGTTTGTACATTCATTTATTTGTGTGTTAAGTATCAATTACTAGAGGATTAT-3'